The following is an entry in ClinVar:

NM_003238.6(TGFB2):c.145A>T (p.Lys49Ter)

Gene: TGFB2 (transforming growth factor beta 2; plus strand). Cytogenetic location: 1q41.
Variant type: single nucleotide variant.
Coding change: c.145A>T on transcript NM_003238.6 (MANE Select); coding-DNA position 145, A replaced by T.
Protein change: p.Lys49Ter; replaces lysine 49 with a stop codon.
Molecular consequence: nonsense. On other transcripts: non-coding transcript variant (2).
Genome position (GRCh38, 1-based): chr1:218,346,846, A>T. VCF-style: chr1-218346846-A-T. GRCh37 (hg19) VCF-style: chr1-218520188-A-T.
Other names: c.145A>T, p.Lys49Ter (NM_001135599.4); c.145A>T (NM_001135599.3); short protein forms K49*.
Identifiers: ClinVar variation 1451388 (VCV001451388.8), dbSNP rs2102527516, ClinGen allele CA344725387.

ClinVar aggregate classification (germline): Pathogenic. Review status: criteria provided, multiple submitters, no conflicts (2 of 4 stars). 3 submissions from 3 submitters: Pathogenic (3). Last evaluated 2024-12-19.

Conditions:
Loeys-Dietz syndrome 4 (LDS4). Also called: ANEURYSM, AORTIC AND CEREBRAL, WITH ARTERIAL TORTUOSITY AND SKELETAL MANIFESTATIONS; TGFB2-Related Loeys-Dietz Syndrome. Identifiers: MedGen C3553762, MONDO:0013897, OMIM 614816.
Loeys-Dietz syndrome (LDS). Identifiers: Orphanet 60030, MedGen C2697932, MONDO:0018954.

Submissions (3):

Genomic Medicine Center of Excellence, King Faisal Specialist Hospital and Research Centre
Classification: Pathogenic for Loeys-Dietz syndrome 4. Last evaluated: 2024-12-19. Review status: criteria provided, single submitter. Criteria: ACMG Guidelines, 2015. Collection method: clinical testing. Allele origin: germline.

Women's Health and Genetics/Laboratory Corporation of America, LabCorp
Classification: Pathogenic for Loeys-Dietz syndrome. Last evaluated: 2024-10-14. Review status: criteria provided, single submitter. Criteria: LabCorp Variant Classification Summary - May 2015. Collection method: clinical testing. Allele origin: germline.
Comment: Variant summary: TGFB2 c.145A>T (p.Lys49X) results in a premature termination codon, predicted to cause a truncation of the encoded protein or absence of the protein due to nonsense mediated decay, which are commonly known mechanisms for disease. The variant was absent in 251468 control chromosomes. To our knowledge, no occurrence of c.145A>T in individuals affected with Loeys-Dietz Syndrome and no experimental evidence demonstrating its impact on protein function have been reported. ClinVar contains an entry for this variant (Variation ID: 1451388). Based on the evidence outlined above, the variant was classified as pathogenic.

Labcorp Genetics (formerly Invitae), Labcorp
Classification: Pathogenic for Loeys-Dietz syndrome 4. Last evaluated: 2021-10-02. Review status: criteria provided, single submitter. Criteria: Invitae Variant Classification Sherloc (09022015). Collection method: clinical testing. Allele origin: germline.
Comment: This sequence change creates a premature translational stop signal (p.Lys49*) in the TGFB2 gene. It is expected to result in an absent or disrupted protein product. Loss-of-function variants in TGFB2 are known to be pathogenic (PMID: 22772368, 22772371, 30739908). For these reasons, this variant has been classified as Pathogenic. This variant has not been reported in the literature in individuals with TGFB2-related conditions. This variant is not present in population databases (ExAC no frequency).

Literature cited by the submitters: PubMed 22772368 (cited by Labcorp Genetics (formerly Invitae), Labcorp); PubMed 22772371 (cited by Labcorp Genetics (formerly Invitae), Labcorp); PubMed 30739908 (cited by Labcorp Genetics (formerly Invitae), Labcorp).